The following is an entry in ClinVar:

ClinVar aggregate classification (germline): Uncertain significance (1 of 4 stars; one submission).

Conditions:
Epidermolysis bullosa simplex 5B, with muscular dystrophy (EBS5B). Also called: EPIDERMOLYSIS BULLOSA SIMPLEX AND LIMB-GIRDLE MUSCULAR DYSTROPHY; Epidermolysis bullosa simplex with muscular dystrophy. Identifiers: Orphanet 257, MedGen C2931072, MONDO:0009181, OMIM 226670.
Epidermolysis bullosa simplex 5C, with pyloric atresia (EBS5C). Also called: PLEC1-Related Epidermolysis Bullosa with Pyloric Atresia; PLEC-Related Epidermolysis Bullosa with Pyloric Atresia; Epidermolysis bullosa simplex with pyloric atresia. Identifiers: Orphanet 158684, MedGen C2677349, MONDO:0012807, OMIM 612138.
Epidermolysis bullosa simplex, Ogna type (EBS5A). Also called: Pidermolysis bullosa simplex 5A, Ogna type; EPIDERMOLYSIS BULLOSA SIMPLEX 5A, OGNA TYPE. Identifiers: Orphanet 79401, MedGen C0432317, MONDO:0007555, OMIM 131950.
Autosomal recessive limb-girdle muscular dystrophy type 2Q (LGMDR17). Also called: MUSCULAR DYSTROPHY, LIMB-GIRDLE, AUTOSOMAL RECESSIVE 17. Identifiers: Orphanet 254361, MedGen C3150989, MONDO:0013390, OMIM 613723.
Epidermolysis bullosa simplex with nail dystrophy (EBS5D). Identifiers: MedGen C4225309, MONDO:0014661, OMIM 616487.

Allele frequency attached by ClinVar (database versions not stated): gnomAD 0.00001.

Submission:

Labcorp Genetics (formerly Invitae), Labcorp
Classification: Uncertain significance for Autosomal recessive limb-girdle muscular dystrophy type 2Q; Epidermolysis bullosa simplex, Ogna type; Epidermolysis bullosa simplex with nail dystrophy; Epidermolysis bullosa simplex 5C, with pyloric atresia; Epidermolysis bullosa simplex 5B, with muscular dystrophy. Last evaluated: 2020-11-17. Review status: criteria provided, single submitter. Criteria: Invitae Variant Classification Sherloc (09022015). Collection method: clinical testing. Allele origin: germline.
Comment: In summary, the available evidence is currently insufficient to determine the role of this variant in disease. Therefore, it has been classified as a Variant of Uncertain Significance. Algorithms developed to predict the effect of sequence changes on RNA splicing suggest that this variant may create or strengthen a splice site, but this prediction has not been confirmed by published transcriptional studies. Algorithms developed to predict the effect of missense changes on protein structure and function are either unavailable or do not agree on the potential impact of this missense change (SIFT: "Tolerated"; PolyPhen-2: "Not Available"; Align-GVGD: "Class C0"). This variant has not been reported in the literature in individuals with PLEC-related conditions. This variant is not present in population databases (ExAC no frequency). This sequence change replaces alanine with valine at codon 1058 of the PLEC protein (p.Ala1058Val). The alanine residue is moderately conserved and there is a small physicochemical difference between alanine and valine.

NM_201384.3(PLEC):c.3092C>T (p.Ala1031Val)

Gene: PLEC (plectin; minus strand). Cytogenetic location: 8q24.3.
Variant type: single nucleotide variant.
Coding change: c.3092C>T on transcript NM_201384.3 (MANE Select); coding-DNA position 3092, C replaced by T.
Protein change: p.Ala1031Val; replaces alanine 1031 with valine.
Molecular consequence: missense variant.
Genome position (GRCh38, 1-based): chr8:143,929,271, G>A on the plus strand (C>T on the coding strand, the complement: PLEC is on the minus strand). VCF-style: chr8-143929271-G-A. GRCh37 (hg19) VCF-style: chr8-145003439-G-A.
Other names: c.3173C>T, p.Ala1058Val (NM_000445.5); c.3050C>T, p.Ala1017Val (NM_201378.4); c.3026C>T, p.Ala1009Val (NM_201379.3); c.3503C>T, p.Ala1168Val (NM_201380.4); c.2996C>T, p.Ala999Val (NM_201381.3); c.3092C>T, p.Ala1031Val (NM_201382.4); c.3104C>T, p.Ala1035Val (NM_201383.3); short protein forms A1035V, A1009V, A1017V, A1058V, A1031V, A1168V, A999V.
Identifiers: ClinVar variation 1485836 (VCV001485836.8), dbSNP rs896295045, ClinGen allele CA372569176.
Genomic context (GRCh38, chr8:143,929,271, plus strand): 5'-AAGACCTTCTCGGCCTCGGCAGAGAGCCGGGCGACCCCCTTGCCCAGCCCCTCCACCTCT[G>A]CCTGTGCCTTCTGCAAAGACAGGGAGTGGGAACGCACTCATCACCGAGCGCAGCACACAG-3'
Protein context (NP_958786.1, residues 1021-1041): QRIAEQQKAQ[Ala1031Val]EVEGLGKGVA